The following is an entry in ClinVar:

NM_001322934.2(NFKB2):c.1065C>G (p.His355Gln)

Gene: NFKB2 (nuclear factor kappa B subunit 2; plus strand). Cytogenetic location: 10q24.32.
Variant type: single nucleotide variant.
Coding change: c.1065C>G on transcript NM_001322934.2 (MANE Select); coding-DNA position 1065, C replaced by G.
Protein change: p.His355Gln; replaces histidine 355 with glutamine.
Molecular consequence: missense variant. On other transcripts: intron variant (1).
Genome position (GRCh38, 1-based): chr10:102,398,812, C>G. VCF-style: chr10-102398812-C-G. GRCh37 (hg19) VCF-style: chr10-104158569-C-G.
Other names: c.1065C>G, p.His355Gln (NM_001077494.3, NM_001261403.3, NM_001288724.1 and 1 more transcripts); c.991+289C>G (NM_001322935.1); short protein forms H355Q.
Identifiers: ClinVar variation 1450905 (VCV001450905.6), dbSNP rs1482942916, ClinGen allele CA377898163.

ClinVar aggregate classification (germline): Uncertain significance (1 of 4 stars; one submission).

Conditions:
Immunodeficiency, common variable, 10. Also called: DEFICIT IN ANTERIOR PITUITARY FUNCTION AND VARIABLE IMMUNODEFICIENCY; IMMUNODEFICIENCY, COMMON VARIABLE, WITH CENTRAL ADRENAL INSUFFICIENCY. Identifiers: MedGen C3809991, MONDO:0014260, OMIM 615577.

Allele frequency attached by ClinVar (database versions not stated): gnomAD exomes below 0.00001; gnomAD 0.00001.
gnomAD v4.1: 1 of 1,610,192 alleles (0.000062%); highest among the groups gnomAD compares: South Asian, 0.0011%; no homozygotes.

Submission:

Labcorp Genetics (formerly Invitae), Labcorp
Classification: Uncertain significance for Immunodeficiency, common variable, 10. Last evaluated: 2022-08-23. Review status: criteria provided, single submitter. Criteria: Invitae Variant Classification Sherloc (09022015). Collection method: clinical testing. Allele origin: germline.
Comment: This sequence change replaces histidine, which is basic and polar, with glutamine, which is neutral and polar, at codon 355 of the NFKB2 protein (p.His355Gln). In summary, the available evidence is currently insufficient to determine the role of this variant in disease. Therefore, it has been classified as a Variant of Uncertain Significance. Algorithms developed to predict the effect of sequence changes on RNA splicing suggest that this variant may create or strengthen a splice site. Algorithms developed to predict the effect of missense changes on protein structure and function (SIFT, PolyPhen-2, Align-GVGD) all suggest that this variant is likely to be tolerated. ClinVar contains an entry for this variant (Variation ID: 1450905). This variant has not been reported in the literature in individuals affected with NFKB2-related conditions. This variant is present in population databases (no rsID available, gnomAD 0.003%).